The following is an entry in ClinVar:

NM_005122.5(NR1I3):c.351C>T (p.Leu117=)

Gene: NR1I3 (nuclear receptor subfamily 1 group I member 3; minus strand). Cytogenetic location: 1q23.3.
Variant type: single nucleotide variant.
Coding change: c.351C>T on transcript NM_005122.5 (MANE Select); coding-DNA position 351, C replaced by T.
Protein change: p.Leu117=; no amino-acid change (leucine 117 retained).
Molecular consequence: synonymous variant.
Genome position (GRCh38, 1-based): chr1:161,233,226, G>A on the plus strand (C>T on the coding strand, the complement: NR1I3 is on the minus strand). VCF-style: chr1-161233226-G-A. GRCh37 (hg19) VCF-style: chr1-161203016-G-A.
Other names: c.351C>T, p.Leu117= (NM_001077469.3, NM_001077471.3, NM_001077474.3 and 4 more transcripts); c.264C>T, p.Leu88= (NM_001077470.3, NM_001077472.3, NM_001077473.3 and 4 more transcripts).
Identifiers: ClinVar variation 3058262 (VCV003058262.2), dbSNP rs146059027, ClinGen allele CA1209836.

ClinVar aggregate classification (germline): Likely benign (0 of 4 stars; one submission).

Conditions:
NR1I3-related disorder. Also called: NR1I3-related condition.

Allele frequency attached by ClinVar (database versions not stated): ESP Exome Variant Server 0.00015; gnomAD exomes 0.00015; gnomAD 0.00017; ExAC 0.00012; TOPMed 0.00019.

Submission:

PreventionGenetics, part of Exact Sciences
Classification: Likely benign for NR1I3-related condition. Last evaluated: 2019-03-04. Review status: no assertion criteria provided. Collection method: clinical testing. Allele origin: germline.
Comment: This variant is classified as likely benign based on ACMG/AMP sequence variant interpretation guidelines (Richards et al. 2015 PMID: 25741868, with internal and published modifications).